The following is an entry in ClinVar:

NM_007294.4(BRCA1):c.131G>T (p.Cys44Phe)

Gene: BRCA1 (BRCA1 DNA repair associated; minus strand). Cytogenetic location: 17q21.31.
Variant type: single nucleotide variant.
Coding change: c.131G>T on transcript NM_007294.4 (MANE Select); coding-DNA position 131, G replaced by T.
Protein change: p.Cys44Phe; replaces cysteine 44 with phenylalanine.
Molecular consequence: missense variant. On other transcripts: non-coding transcript variant (1), intron variant (1).
Genome position (GRCh38, 1-based): chr17:43,115,729, C>A on the plus strand (G>T on the coding strand, the complement: BRCA1 is on the minus strand). VCF-style: chr17-43115729-C-A. GRCh37 (hg19) VCF-style: chr17-41267746-C-A.
Other names: 250G>T; c.-173G>T (NM_001408510.1, NM_001408512.1, NM_001407960.1 and 1 more transcripts); c.-58G>T (NM_001408513.1, NM_001408514.1, NM_001407571.1 and 52 more transcripts); c.131G>T, p.Cys44Phe (NM_007298.4, NM_007299.4, NM_007300.4 and 192 more transcripts); c.-127G>T (NM_001407694.1, NM_001407696.1, NM_001407724.1 and 13 more transcripts); c.-131G>T (NM_001407695.1, NM_001408465.1); c.-11G>T (NM_001407697.1, NM_001407725.1, NM_001407728.1 and 47 more transcripts); c.-174G>T (NM_001407889.1, NM_001407900.1, NM_001408492.1); and 3 more; short protein forms C44F.
Identifiers: ClinVar variation 54200 (VCV000054200.64), dbSNP rs80357446, ClinGen allele CA000862.

ClinVar aggregate classification (germline): Pathogenic. Review status: reviewed by expert panel (3 of 4 stars). 27 submissions from 27 submitters: Pathogenic (1). 26 of the submissions do not count toward it. Last evaluated 2019-06-18.

Conditions:
Familial cancer of breast. Also called: Hereditary breast cancer; hereditary breast carcinoma; BREAST CANCER, FAMILIAL. Identifiers: Orphanet 227535, MedGen C0346153, MONDO:0016419, OMIM 114480. Disease mechanism: loss of function.
Breast-ovarian cancer, familial, susceptibility to, 1 (BROVCA1). Also called: OVARIAN CANCER, SUSCEPTIBILITY TO; BRCA1 Hereditary Breast and Ovarian Cancer. Identifiers: Orphanet 145, MedGen C2676676, MONDO:0011450, OMIM 604370. Disease mechanism: loss of function.
Fanconi anemia, complementation group S (FANCS). Identifiers: MedGen C4554406, MONDO:0054748, OMIM 617883.
Breast and/or ovarian cancer. Identifiers: MedGen CN221562.
Pancreatic cancer, susceptibility to, 4. Identifiers: Orphanet 1333, MedGen C3280442, MONDO:0013685, OMIM 614320.
Hereditary cancer-predisposing syndrome. Also called: Tumor predisposition; Neoplastic Syndromes, Hereditary; Hereditary Cancer Syndrome; Hereditary neoplastic syndrome. Identifiers: Orphanet 140162, MedGen C0027672, MeSH D009386, MONDO:0015356.
Hereditary breast ovarian cancer syndrome. Also called: Hereditary breast and ovarian cancer syndrome (HBOC); Hereditary breast and ovarian cancer syndrome; Hereditary breast and ovarian cancer; Hereditary breast and/or ovarian cancer syndrome; Breast and ovarian cancer; BRCA1- and BRCA2-Associated Hereditary Breast and Ovarian Cancer. Identifiers: Orphanet 145, MedGen C0677776, MeSH D061325, MONDO:0003582. Disease mechanism: loss of function.

Allele frequency attached by ClinVar (database versions not stated): gnomAD exomes below 0.00001.
gnomAD v4.1: 3 of 1,613,326 alleles (0.00019%); highest among the groups gnomAD compares: Middle Eastern, 0.016%; no homozygotes.

Submissions 1 to 6 of 28:

Evidence-based Network for the Interpretation of Germline Mutant Alleles (ENIGMA)
Classification: Pathogenic for Breast-ovarian cancer, familial, susceptibility to, 1. Last evaluated: 2019-06-18. Review status: reviewed by expert panel. Criteria: ENIGMA BRCA1/2 Classification Criteria (2017-06-29). Collection method: curation. Allele origin: germline.
Comment: IARC class based on posterior probability from multifactorial likelihood analysis, thresholds for class as per Plon et al. 2008 (PMID: 18951446). Class 5 based on posterior probability = 0.999964

Labcorp Genetics (formerly Invitae), Labcorp
Classification: Pathogenic for Hereditary breast ovarian cancer syndrome. Last evaluated: 2026-01-26. Review status: criteria provided, single submitter. Criteria: Invitae Variant Classification Sherloc (09022015). Collection method: clinical testing. Allele origin: germline. Not counted in ClinVar's aggregate classification.
Comment: This sequence change replaces cysteine, which is neutral and slightly polar, with phenylalanine, which is neutral and non-polar, at codon 44 of the BRCA1 protein (p.Cys44Phe). This variant is not present in population databases (gnomAD no frequency). This missense change has been observed in individual(s) with breast and or ovarian cancer (PMID: 16267036, 18159056, 23633455, 25777348). This variant is also known as 250G>T. ClinVar contains an entry for this variant (Variation ID: 54200). Invitae Evidence Modeling incorporating data from in vitro experimental studies (PMID: 30209399) indicates that this missense variant is expected to disrupt BRCA1 function with a positive predictive value of 95%. Experimental studies have shown that this missense change affects BRCA1 function (PMID: 12732733, 16403807, 20103620, 21725363, 22843421, 23161852, 27272900). This variant disrupts the p.Cys44 amino acid residue in BRCA1. Other variant(s) that disrupt this residue have been determined to be pathogenic (PMID: 19543972, 21922593, 25823446, 27083775). This suggests that this residue is clinically significant, and that variants that disrupt this residue are likely to be disease-causing. For these reasons, this variant has been classified as Pathogenic.

Color Diagnostics, LLC DBA Color Health
Classification: Pathogenic for Hereditary cancer-predisposing syndrome. Last evaluated: 2025-09-22. Review status: criteria provided, single submitter. Criteria: ACMG Guidelines, 2015. Collection method: clinical testing. Allele origin: germline. Not counted in ClinVar's aggregate classification.
Comment: This missense variant replaces cysteine with phenylalanine at codon 44 of the BRCA1 protein. Computational prediction suggests that this variant may have deleterious impact on protein structure and function. Functional studies have reported that this variant impacts BRCA1 in homology-directed repair, ubiquitin E3 ligase, BARD1 binding, haploid cell proliferation and protein folding assays (PMID: 11573085, 20103620, 23161852, 25823446, 30209399DOI:10.1158/2767-9764.CRC-21-0064). This variant has been reported in at least six individuals affected with breast and ovarian cancer (PMID: 16912212, 18159056, 22711857, 22713736, 28486781) and multiple suspected hereditary breast and ovarian cancer families (PMID: 12048272, 16267036, 19241424). Multifactorial analysis on clinical data has reached a combined likelihood ratio (LR) of 7418101.869 from published LR for 7 carriers (PMID: 31131967, 31853058). This variant has not been identified in the general population by the Genome Aggregation Database (gnomAD). Based on the available evidence, this variant is classified as Pathogenic.

Quest Diagnostics Nichols Institute San Juan Capistrano
Classification: Pathogenic. Last evaluated: 2025-08-12. Review status: criteria provided, single submitter. Criteria: Quest Diagnostics criteria. Collection method: clinical testing. Allele origin: unknown. Not counted in ClinVar's aggregate classification.
Comment: The BRCA1 c.131G>T (p.Cys44Phe) variant has been reported in multiple individuals and families diagnosed with breast and/or ovarian cancer (PMIDs: 37563628 (2023), 30350268 (2018), 29446198 (2018), 28486781 (2017), 28414925 (2017), 22713736 (2012), 18159056 (2007)). Assessment of experimental evidence indicates that this variant results in abnormal protein function (PMIDs: 27272900 (2016), 21725363 (2012), 20103620 (2010), 18159056 (2007)), and this variant was reported as being pathogenic in a multifactorial likelihood study (PMID: 31131967 (2019)). This variant has not been reported in large, multi-ethnic general populations (Genome Aggregation Database). Analysis of this variant using bioinformatics tools for the prediction of the effect of amino acid changes on protein structure and function yielded predictions that this variant is damaging. Based on the available information, this variant is classified as pathogenic.

Dasa
Classification: Pathogenic for Breast-ovarian cancer, familial, susceptibility to, 1. Last evaluated: 2025-05-26. Review status: criteria provided, single submitter. Criteria: DASA Assertion Criteria. Collection method: clinical testing. Allele origin: germline. Not counted in ClinVar's aggregate classification.
Comment: NM_007294.4(BRCA1):c.131G>T (p.Cys44Phe) is a missense variant that results in the substitution of cysteine with phenylalanine. Functional evidence supports a deleterious effect on the gene or gene product (PMID: 30209399; PMID: 31209999; PMID: 31144781; PMID: 31131967; PMID: 28414925). This variant has been recurrently observed in individuals with Breast-ovarian cancer, familial, susceptibility to, 1 (PMID: 30209399; PMID: 31209999; PMID: 31144781; PMID: 31131967; PMID: 28414925). Multiple computational predictions support a deleterious effect on the gene or gene product. The variant is present at low frequency in population datasets. Based on the available data, this variant is classified as pathogenic.

Molecular Pathology, Peter Maccallum Cancer Centre
Classification: Pathogenic for Breast-ovarian cancer, familial, susceptibility to, 1. Last evaluated: 2025-03-06. Review status: criteria provided, single submitter. Criteria: ACMG Guidelines, 2015. Collection method: clinical testing. Allele origin: germline. Inheritance: Autosomal dominant inheritance. Not counted in ClinVar's aggregate classification.